The following is an entry in ClinVar:

ClinVar aggregate classification (germline): Likely pathogenic (1 of 4 stars; one submission).

Conditions:
Meckel syndrome, type 1 (MKS1). Also called: MECKEL-GRUBER SYNDROME, TYPE 1. Identifiers: Orphanet 564, MedGen C3714506, MONDO:0009571, OMIM 249000.

Submission:

Natera, Inc.
Classification: Likely pathogenic for Meckel syndrome type 1. Last evaluated: 2024-05-23. Review status: criteria provided, single submitter. Criteria: Natera Variant Classification Schema (03/2026). Collection method: clinical testing. Allele origin: germline.
Comment: The c.1361_1362del variant in MKS1 is a frameshift variant predicted to elongate the protein beyond the termination codon. This variant is expected to result in nonsense mediated decay, truncation, or a dysfunctional protein product. This variant is rare in the general population with a frequency below the threshold expected for the associated phenotype(s). Given the available evidence, this variant is classified as Likely Pathogenic.

NM_017777.4(MKS1):c.1361_1362del (p.Leu454fs)

Gene: MKS1 (MKS transition zone complex subunit 1; minus strand). Cytogenetic location: 17q22.
Variant type: Deletion.
Coding change: c.1361_1362del on transcript NM_017777.4 (MANE Select); coding-DNA positions 1361 to 1362, 2 bases deleted (TG; older notation c.1361_1362delTG).
Protein change: p.Leu454fs; shifts the reading frame from leucine 454.
Molecular consequence: frameshift variant. On other transcripts: intron variant (1).
Genome position (GRCh38, 1-based): chr17:58,207,130-58,207,131, CA deleted on the plus strand (TG on the coding strand, the reverse complement: MKS1 is on the minus strand). VCF-style (leftmost placement, unchanged base first): chr17-58207129-CCA-C. GRCh37 (hg19) VCF-style: chr17-56284490-CCA-C.
Other names: c.752_753del, p.Leu251fs (NM_001321268.2); c.1361_1362del, p.Leu454fs (NM_001321269.2); c.1361_1362delTG, p.Leu454Argfs (NM_017777.3); c.1274-751_1274-750del (NM_001330397.2); short protein forms L251fs, L454fs.
Identifiers: ClinVar variation 4815909 (VCV004815909.1).